The following is an entry in ClinVar:

ClinVar aggregate classification (germline): Pathogenic (1 of 4 stars; one submission).

Conditions:
Neuromuscular disease caused by qualitative or quantitative defects of dysferlin. Also called: Dysferlinopathy; Qualitative or quantitative defects of dysferlin. Identifiers: Orphanet 207073, MedGen C2931687, MONDO:0016145.

Submission:

Labcorp Genetics (formerly Invitae), Labcorp
Classification: Pathogenic for Neuromuscular disease caused by qualitative or quantitative defects of dysferlin. Last evaluated: 2023-03-16. Review status: criteria provided, single submitter. Criteria: Invitae Variant Classification Sherloc (09022015). Collection method: clinical testing. Allele origin: germline.
Comment: For these reasons, this variant has been classified as Pathogenic. This variant has not been reported in the literature in individuals affected with DYSF-related conditions. This variant is not present in population databases (gnomAD no frequency). This sequence change creates a premature translational stop signal (p.Asp1876Glyfs*6) in the DYSF gene. It is expected to result in an absent or disrupted protein product. Loss-of-function variants in DYSF are known to be pathogenic (PMID: 17698709, 20301480).

Literature cited by the submitters: PubMed 17698709; PubMed 20301480.

NM_001130987.2(DYSF):c.5743dup (p.Asp1915fs)

Gene: DYSF (dysferlin; plus strand). Cytogenetic location: 2p13.2.
Variant type: Duplication.
Coding change: c.5743dup on transcript NM_001130987.2 (MANE Select); coding-DNA position 5743, one base duplicated (G; older notation c.5743dupG).
Protein change: p.Asp1915fs; shifts the reading frame from aspartic acid 1915.
Molecular consequence: frameshift variant.
Genome position (GRCh38, 1-based): chr2:71,669,705, G duplicated. VCF-style (leftmost placement, unchanged base first): chr2-71669704-C-CG. GRCh37 (hg19) VCF-style: chr2-71896834-C-CG.
Other names: c.5719dup, p.Asp1907fs (NM_001130979.2); c.5677dup, p.Asp1893fs (NM_001130980.2); c.5629dup, p.Asp1877fs (NM_001130455.2); c.5584dup, p.Asp1862fs (NM_001130976.2); c.5647dup, p.Asp1883fs (NM_001130977.2); c.5689dup, p.Asp1897fs (NM_001130978.2); c.5692dup, p.Asp1898fs (NM_001130983.2); c.5650dup, p.Asp1884fs (NM_001130984.2); and 5 more; short protein forms D1877fs, D1898fs, D1908fs, D1914fs, D1893fs, D1897fs, D1915fs, D1862fs.
Identifiers: ClinVar variation 2846213 (VCV002846213.3), dbSNP rs2546579814, ClinGen allele CA2739271054.